The following is an entry in ClinVar:

ClinVar aggregate classification (germline): Benign/Likely benign. Review status: criteria provided, multiple submitters, no conflicts (2 of 4 stars). 5 submissions from 5 submitters: Benign (3); Likely benign (1). 1 of the submissions does not count toward it. Last evaluated 2024-12-27.

Conditions:
SRC-related disorder. Also called: SRC-related condition.

Allele frequency attached by ClinVar (database versions not stated): gnomAD exomes 0.00021 and 0.00054; ExAC 0.00073; gnomAD 0.00192 and 0.00205; TOPMed 0.00250; 1000 Genomes Project 0.00260; 1000 Genomes Project 30x 0.00297; ESP Exome Variant Server 0.00308.
gnomAD v4.1: 610 of 1,612,740 alleles (0.038%); highest among the groups gnomAD compares: African/African-American, 0.74%; 4 homozygotes.

Submissions (5):

Mayo Clinic Laboratories, Mayo Clinic
Classification: Benign. Last evaluated: 2024-12-27. Review status: criteria provided, single submitter. Criteria: ACMG Guidelines, 2015. Collection method: clinical testing. Allele origin: germline. Observed: 3 variant alleles.
Comment: BS1, BS2, BP4, BP7

Blueprint Genetics
Classification: Likely benign. Last evaluated: 2024-07-05. Review status: criteria provided, single submitter. Criteria: ACMG Guidelines, 2015. Collection method: clinical testing. Allele origin: germline.

Labcorp Genetics (formerly Invitae), Labcorp
Classification: Benign. Last evaluated: 2019-12-31. Review status: criteria provided, single submitter. Criteria: Invitae Variant Classification Sherloc (09022015). Collection method: clinical testing. Allele origin: germline.

Breakthrough Genomics
Classification: Benign. Review status: criteria provided, single submitter. Criteria: ACMG Guidelines, 2015. Collection method: not provided. Allele origin: germline. Inheritance: Autosomal dominant inheritance. Affected: yes.

PreventionGenetics, part of Exact Sciences
Classification: Benign for SRC-related condition. Last evaluated: 2020-01-03. Review status: no assertion criteria provided. Collection method: clinical testing. Allele origin: germline. Not counted in ClinVar's aggregate classification.
Comment: This variant is classified as benign based on ACMG/AMP sequence variant interpretation guidelines (Richards et al. 2015 PMID: 25741868, with internal and published modifications).

NM_198291.3(SRC):c.1254G>A (p.Glu418=)

Gene: SRC (SRC proto-oncogene, non-receptor tyrosine kinase; plus strand). Cytogenetic location: 20q11.23.
Variant type: single nucleotide variant.
Coding change: c.1254G>A on transcript NM_198291.3 (MANE Select); coding-DNA position 1254, G replaced by A.
Protein change: p.Glu418=; no amino-acid change (glutamic acid 418 retained).
Molecular consequence: synonymous variant.
Genome position (GRCh38, 1-based): chr20:37,402,572, G>A. VCF-style: chr20-37402572-G-A. GRCh37 (hg19) VCF-style: chr20-36030975-G-A.
Other names: p.Glu418=; c.1254G>A, p.Glu418= (NM_005417.5).
Identifiers: ClinVar variation 719597 (VCV000719597.9), dbSNP rs80023903, ClinGen allele CA9848000.